The following is an entry in ClinVar:

NM_000038.6(APC):c.7772A>T (p.His2591Leu)

Gene: APC (APC regulator of Wnt signaling pathway; plus strand). Cytogenetic location: 5q22.2.
Variant type: single nucleotide variant.
Coding change: c.7772A>T on transcript NM_000038.6 (MANE Select); coding-DNA position 7772, A replaced by T.
Protein change: p.His2591Leu; replaces histidine 2591 with leucine.
Molecular consequence: missense variant.
Genome position (GRCh38, 1-based): chr5:112,843,366, A>T. VCF-style: chr5-112843366-A-T. GRCh37 (hg19) VCF-style: chr5-112179063-A-T.
Other names: c.7772A>T, p.His2591Leu (NM_001127510.3, NM_001354895.2); c.7718A>T, p.His2573Leu (NM_001127511.3); c.7826A>T, p.His2609Leu (NM_001354896.2); c.7802A>T, p.His2601Leu (NM_001354897.2); c.7697A>T, p.His2566Leu (NM_001354898.2); c.7688A>T, p.His2563Leu (NM_001354899.2); c.7649A>T, p.His2550Leu (NM_001354900.2); c.7595A>T, p.His2532Leu (NM_001354901.2); and 5 more; short protein forms H2431L, H2500L, H2532L, H2550L, H2566L, H2573L, H2601L, H2308L.
Identifiers: ClinVar variation 827249 (VCV000827249.14), dbSNP rs375393416, ClinGen allele CA16038216.

ClinVar aggregate classification (germline): Uncertain significance. Review status: criteria provided, multiple submitters, no conflicts (2 of 4 stars). 2 submissions from 2 submitters: Uncertain significance (2). Last evaluated 2024-02-24.

Conditions:
Hereditary cancer-predisposing syndrome. Also called: Neoplastic Syndromes, Hereditary; Tumor predisposition; Hereditary neoplastic syndrome; Hereditary Cancer Syndrome. Identifiers: Orphanet 140162, MedGen C0027672, MeSH D009386, MONDO:0015356.
Familial adenomatous polyposis 1 (FAP1). Also called: POLYPOSIS, ADENOMATOUS INTESTINAL; FAMILIAL ADENOMATOUS POLYPOSIS 1, ATTENUATED. Identifiers: MedGen C2713442, MONDO:0021056, OMIM 175100. Disease mechanism: loss of function.

Submissions (2):

Labcorp Genetics (formerly Invitae), Labcorp
Classification: Uncertain significance for Familial adenomatous polyposis 1. Last evaluated: 2024-02-24. Review status: criteria provided, single submitter. Criteria: Invitae Variant Classification Sherloc (09022015). Collection method: clinical testing. Allele origin: germline.
Comment: This sequence change replaces histidine, which is basic and polar, with leucine, which is neutral and non-polar, at codon 2591 of the APC protein (p.His2591Leu). This variant is not present in population databases (gnomAD no frequency). This variant has not been reported in the literature in individuals affected with APC-related conditions. ClinVar contains an entry for this variant (Variation ID: 827249). Advanced modeling of protein sequence and biophysical properties (such as structural, functional, and spatial information, amino acid conservation, physicochemical variation, residue mobility, and thermodynamic stability) performed at Invitae indicates that this missense variant is not expected to disrupt APC protein function with a negative predictive value of 95%. In summary, the available evidence is currently insufficient to determine the role of this variant in disease. Therefore, it has been classified as a Variant of Uncertain Significance.

Ambry Genetics
Classification: Uncertain significance for Hereditary cancer-predisposing syndrome. Last evaluated: 2018-06-21. Review status: criteria provided, single submitter. Criteria: Ambry Variant Classification Scheme 2023. Collection method: clinical testing. Allele origin: germline.
Comment: The p.H2591L variant (also known as c.7772A>T), located in coding exon 15 of the APC gene, results from an A to T substitution at nucleotide position 7772. The histidine at codon 2591 is replaced by leucine, an amino acid with similar properties. This amino acid position is not well conserved in available vertebrate species. In addition, in silico predictors for this gene do not accurately predict pathogenicity. Since supporting evidence is limited at this time, the clinical significance of this alteration remains unclear.